The following is an entry in ClinVar:

ClinVar aggregate classification (germline): Uncertain significance. Review status: criteria provided, multiple submitters, no conflicts (2 of 4 stars). 5 submissions from 5 submitters: Uncertain significance (5). Last evaluated 2025-01-24.

Conditions:
Cardiomyopathy (CMYO). Also called: Cardiomyopathies. Identifiers: Orphanet 167848, MedGen C0878544, MONDO:0004994, HP:0001638. Inheritance: Various modes of inheritance.
Catecholaminergic polymorphic ventricular tachycardia 1. Also called: VENTRICULAR TACHYCARDIA, CATECHOLAMINERGIC POLYMORPHIC, 1, WITH OR WITHOUT ATRIAL DYSFUNCTION AND/OR DILATED CARDIOMYOPATHY; RYR2-Related Catecholaminergic Polymorphic Ventricular Tachycardia; VENTRICULAR TACHYCARDIA, STRESS-INDUCED POLYMORPHIC 1. Identifiers: Orphanet 3286, MedGen C1631597, MONDO:0011484, OMIM 604772.
Cardiovascular phenotype. Identifiers: MedGen CN230736.
Catecholaminergic polymorphic ventricular tachycardia (CVPT). Also called: Catecholamine-induced polymorphic ventricular tachycardia. Identifiers: Orphanet 3286, MedGen C5574922, MONDO:0017990.

Allele frequency attached by ClinVar (database versions not stated): gnomAD exomes below 0.00001; TOPMed below 0.00001.
gnomAD v4.1: 4 of 1,608,646 alleles (0.00025%); highest among the groups gnomAD compares: Non-Finnish European, 0.00034%; no homozygotes.

Submissions (5):

GeneDx
Classification: Uncertain significance. Last evaluated: 2025-01-24. Review status: criteria provided, single submitter. Criteria: GeneDx Variant Classification Process June 2021. Collection method: clinical testing. Allele origin: germline. Affected: yes.
Comment: Not observed at significant frequency in large population cohorts (gnomAD); In silico analysis supports that this missense variant has a deleterious effect on protein structure/function; Has not been previously published as pathogenic or benign to our knowledge; Located in one of the three hot-spot regions of the RYR2 gene, where the majority of pathogenic missense variants occur; This variant is associated with the following publications: (PMID: 19926015)

All of Us Research Program, National Institutes of Health
Classification: Uncertain significance for Catecholaminergic polymorphic ventricular tachycardia. Last evaluated: 2024-08-06. Review status: criteria provided, single submitter. Criteria: ACMG Guidelines, 2015. Collection method: clinical testing. Allele origin: germline. Inheritance: Autosomal dominant inheritance. Observed: 4 variant alleles, 4 heterozygotes.
Comment: This missense variant replaces arginine with glutamine at codon 4602 of the RYR2 protein. Computational prediction tools and conservation analyses suggest that this variant may have deleterious impact on the protein function. Computational splicing tools suggest that this variant may not impact RNA splicing. To our knowledge, functional assays have not been performed for this variant nor has this variant been reported in individuals affected with cardiovascular disorders in the literature. This variant has not been identified in the general population by the Genome Aggregation Database (gnomAD). Available evidence is insufficient to determine the role of this variant in disease conclusively. Therefore, this variant is classified as a Variant of Uncertain Significance.

This study involves interpretation of variants in research participants for the purpose of population health screening. Participant phenotype was not available at the time of variant classification. Additional details can be found in publication PMID: 35346344, PMCID: PMC8962531

Ambry Genetics
Classification: Uncertain significance for Cardiovascular phenotype. Last evaluated: 2024-03-08. Review status: criteria provided, single submitter. Criteria: Ambry Variant Classification Scheme 2023. Collection method: clinical testing. Allele origin: germline.
Comment: The p.R4602Q variant (also known as c.13805G>A), located in coding exon 95 of the RYR2 gene, results from a G to A substitution at nucleotide position 13805. The arginine at codon 4602 is replaced by glutamine, an amino acid with highly similar properties. This amino acid position is highly conserved in available vertebrate species. In addition, this alteration is predicted to be deleterious by in silico analysis. Based on the available evidence, the clinical significance of this alteration remains unclear.

Color Diagnostics, LLC DBA Color Health
Classification: Uncertain significance for Cardiomyopathy. Last evaluated: 2024-03-06. Review status: criteria provided, single submitter. Criteria: ACMG Guidelines, 2015. Collection method: clinical testing. Allele origin: germline.
Comment: This variant is located in the RYR2 protein. Computational prediction suggests that this variant may have deleterious impact on protein structure and function (internally defined REVEL score threshold >= 0.7, PMID: 27666373). To our knowledge, functional studies have not been reported for this variant. This variant has not been reported in individuals affected with RYR2-related disorders in the literature. This variant has not been identified in the general population by the Genome Aggregation Database (gnomAD). The available evidence is insufficient to determine the role of this variant in disease conclusively. Therefore, this variant is classified as a Variant of Uncertain Significance.

Labcorp Genetics (formerly Invitae), Labcorp
Classification: Uncertain significance for Catecholaminergic polymorphic ventricular tachycardia 1. Last evaluated: 2023-07-28. Review status: criteria provided, single submitter. Criteria: Invitae Variant Classification Sherloc (09022015). Collection method: clinical testing. Allele origin: germline.
Comment: ClinVar contains an entry for this variant (Variation ID: 532337). Advanced modeling of protein sequence and biophysical properties (such as structural, functional, and spatial information, amino acid conservation, physicochemical variation, residue mobility, and thermodynamic stability) performed at Invitae indicates that this missense variant is expected to disrupt RYR2 protein function. In summary, the available evidence is currently insufficient to determine the role of this variant in disease. Therefore, it has been classified as a Variant of Uncertain Significance. This variant has not been reported in the literature in individuals affected with RYR2-related conditions. This sequence change replaces arginine, which is basic and polar, with glutamine, which is neutral and polar, at codon 4602 of the RYR2 protein (p.Arg4602Gln). This variant is not present in population databases (gnomAD no frequency).

NM_001035.3(RYR2):c.13805G>A (p.Arg4602Gln)

Gene: RYR2 (ryanodine receptor 2; plus strand). Cytogenetic location: 1q43.
Variant type: single nucleotide variant.
Coding change: c.13805G>A on transcript NM_001035.3 (MANE Select); coding-DNA position 13805, G replaced by A.
Protein change: p.Arg4602Gln; replaces arginine 4602 with glutamine.
Molecular consequence: missense variant.
Genome position (GRCh38, 1-based): chr1:237,793,889, G>A. VCF-style: chr1-237793889-G-A. GRCh37 (hg19) VCF-style: chr1-237957189-G-A.
Other names: c.13805G>A, p.Arg4602Gln (LRG_402t1); short protein forms R4602Q.
Identifiers: ClinVar variation 532337 (VCV000532337.17), dbSNP rs1553328160, ClinGen allele CA067759.